The following is an entry in ClinVar:

NM_001378743.1(CYLD):c.2350+4A>G

Genes: CYLD (CYLD lysine 63 deubiquitinase; plus strand), CYLD-AS2 (CYLD antisense RNA 2; minus strand). Cytogenetic location: 16q12.1.
Variant type: single nucleotide variant.
Coding change: c.2350+4A>G on transcript NM_001378743.1 (MANE Select); 4 bases into the intron after coding-DNA position 2350, A replaced by G.
Molecular consequence: intron variant.
Genome position (GRCh38, 1-based): chr16:50,792,709, A>G. VCF-style: chr16-50792709-A-G. GRCh37 (hg19) VCF-style: chr16-50826620-A-G.
Other names: c.2350+4A>G (NM_015247.3); c.2341+4A>G (NM_001378745.1, NM_001378744.1, NM_001042355.2 and 6 more transcripts); c.2311+4A>G (NM_001378753.1, NM_001378751.1, NM_001378752.1); c.1675+4A>G (NM_001378754.1, NM_001378755.1).
Identifiers: ClinVar variation 3659499 (VCV003659499.2).

ClinVar aggregate classification (germline): Uncertain significance (1 of 4 stars; one submission).

Submission:

Labcorp Genetics (formerly Invitae), Labcorp
Classification: Uncertain significance. Last evaluated: 2024-07-15. Review status: criteria provided, single submitter. Criteria: Invitae Variant Classification Sherloc (09022015). Collection method: clinical testing. Allele origin: germline.
Comment: This sequence change falls in intron 17 of the CYLD gene. It does not directly change the encoded amino acid sequence of the CYLD protein. It affects a nucleotide within the consensus splice site. This variant is not present in population databases (gnomAD no frequency). This variant has not been reported in the literature in individuals affected with CYLD-related conditions. Variants that disrupt the consensus splice site are a relatively common cause of aberrant splicing (PMID: 17576681, 9536098). Algorithms developed to predict the effect of sequence changes on RNA splicing suggest that this variant may disrupt the consensus splice site. In summary, the available evidence is currently insufficient to determine the role of this variant in disease. Therefore, it has been classified as a Variant of Uncertain Significance.

Literature cited by the submitters: PubMed 17576681; PubMed 9536098.